The following is an entry in ClinVar:

ClinVar aggregate classification (germline): Uncertain significance. Review status: criteria provided, multiple submitters, no conflicts (2 of 4 stars). 2 submissions from 2 submitters: Uncertain significance (2). Last evaluated 2025-10-28.

Conditions:
Developmental and epileptic encephalopathy, 23 (DEE23). Also called: Epileptic encephalopathy, early infantile, 23. Identifiers: Orphanet 411986, MedGen C4014492, MONDO:0014371, OMIM 615859.
Inborn genetic diseases. Identifiers: MedGen C0950123, MeSH D030342.

Allele frequency attached by ClinVar (database versions not stated): ExAC 0.00001; TOPMed 0.00001; gnomAD exomes 0.00001.
gnomAD v4.1: 3 of 1,613,490 alleles (0.00019%); highest among the groups gnomAD compares: Admixed American, 0.005%; no homozygotes.

Submissions (2):

Ambry Genetics
Classification: Uncertain significance for Inborn genetic diseases. Last evaluated: 2025-10-28. Review status: criteria provided, single submitter. Criteria: Ambry Variant Classification Scheme 2023. Collection method: clinical testing. Allele origin: germline.

Labcorp Genetics (formerly Invitae), Labcorp
Classification: Uncertain significance for Developmental and epileptic encephalopathy, 23. Last evaluated: 2022-02-04. Review status: criteria provided, single submitter. Criteria: Invitae Variant Classification Sherloc (09022015). Collection method: clinical testing. Allele origin: germline.
Comment: This sequence change replaces alanine, which is neutral and non-polar, with threonine, which is neutral and polar, at codon 816 of the DOCK7 protein (p.Ala816Thr). This variant is present in population databases (rs775810513, gnomAD 0.006%). This variant has not been reported in the literature in individuals affected with DOCK7-related conditions. Algorithms developed to predict the effect of missense changes on protein structure and function (SIFT, PolyPhen-2, Align-GVGD) all suggest that this variant is likely to be tolerated. In summary, the available evidence is currently insufficient to determine the role of this variant in disease. Therefore, it has been classified as a Variant of Uncertain Significance.

NM_001367561.1(DOCK7):c.2446G>A (p.Ala816Thr)

Gene: DOCK7 (dedicator of cytokinesis 7; minus strand). Cytogenetic location: 1p31.3.
Variant type: single nucleotide variant.
Coding change: c.2446G>A on transcript NM_001367561.1 (MANE Select); coding-DNA position 2446, G replaced by A.
Protein change: p.Ala816Thr; replaces alanine 816 with threonine.
Molecular consequence: missense variant.
Genome position (GRCh38, 1-based): chr1:62,555,975, C>T on the plus strand (G>A on the coding strand, the complement: DOCK7 is on the minus strand). VCF-style: chr1-62555975-C-T. GRCh37 (hg19) VCF-style: chr1-63021646-C-T.
Other names: c.2446G>A, p.Ala816Thr (NM_001271999.2, NM_001272000.2, NM_001272001.2 and 2 more transcripts); c.2446G>A (NM_033407.2); short protein forms A816T.
Identifiers: ClinVar variation 1346760 (VCV001346760.4), dbSNP rs775810513, ClinGen allele CA886260.